The following is an entry in ClinVar:

NM_017849.4(TMEM127):c.180C>G (p.Thr60=)

Gene: TMEM127 (transmembrane protein 127; minus strand). Cytogenetic location: 2q11.2.
Variant type: single nucleotide variant.
Coding change: c.180C>G on transcript NM_017849.4 (MANE Select); coding-DNA position 180, C replaced by G.
Protein change: p.Thr60=; no amino-acid change (threonine 60 retained).
Molecular consequence: synonymous variant. On other transcripts: intron variant (1).
Genome position (GRCh38, 1-based): chr2:96,265,202, G>C on the plus strand (C>G on the coding strand, the complement: TMEM127 is on the minus strand). VCF-style: chr2-96265202-G-C. GRCh37 (hg19) VCF-style: chr2-96930940-G-C.
Other names: c.180C>G, p.Thr60= (NM_001193304.3); c.-9+667C>G (NM_001407283.1).
Identifiers: ClinVar variation 4552059 (VCV004552059.2).

ClinVar aggregate classification (germline): Benign/Likely benign. Review status: criteria provided, multiple submitters, no conflicts (2 of 4 stars). 2 submissions from 2 submitters: Benign (1); Likely benign (1). Last evaluated 2026-07-29.

Conditions:
Hereditary pheochromocytoma and paraganglioma. Also called: Hereditary pheochromocytoma-paraganglioma; Hereditary Paraganglioma-Pheochromocytoma Syndromes; Hereditary paragangliomas and pheochromocytomas. Identifiers: Orphanet 29072, MedGen C4274332, MONDO:0017366.
Hereditary cancer-predisposing syndrome. Also called: Neoplastic Syndromes, Hereditary; Tumor predisposition; Hereditary neoplastic syndrome; Hereditary Cancer Syndrome. Identifiers: Orphanet 140162, MedGen C0027672, MeSH D009386, MONDO:0015356.

Submissions (2):

Myriad Genetics, Inc.
Classification: Benign for Hereditary pheochromocytoma and paraganglioma. Last evaluated: 2026-07-29. Review status: criteria provided, single submitter. Criteria: Myriad Autosomal Dominant, Autosomal Recessive and X-Linked Classification Criteria (2023). Collection method: clinical testing. Allele origin: unknown.
Comment: This variant is considered benign. This variant is a silent/synonymous amino acid change and it is not expected to impact splicing.

Ambry Genetics
Classification: Likely benign for Hereditary cancer-predisposing syndrome. Last evaluated: 2025-09-28. Review status: criteria provided, single submitter. Criteria: Ambry Variant Classification Scheme 2023. Collection method: clinical testing. Allele origin: germline.